The following is an entry in ClinVar:

NM_004333.6(BRAF):c.504+19C>T

Gene: BRAF (B-Raf proto-oncogene, serine/threonine kinase; minus strand). Cytogenetic location: 7q34.
Variant type: single nucleotide variant.
Coding change: c.504+19C>T on transcript NM_004333.6 (MANE Select); 19 bases into the intron after coding-DNA position 504, C replaced by T.
Molecular consequence: intron variant.
Genome position (GRCh38, 1-based): chr7:140,834,590, G>A on the plus strand (C>T on the coding strand, the complement: BRAF is on the minus strand). VCF-style: chr7-140834590-G-A. GRCh37 (hg19) VCF-style: chr7-140534390-G-A.
Other names: c.504+19C>T (NM_001378474.1, NM_001378471.1, NM_001378468.1 and 5 more transcripts); c.402+19C>T (NM_001378470.1); c.240+15521C>T (NM_001378475.1); c.348+19C>T (NM_001378472.1, NM_001378473.1).
Identifiers: ClinVar variation 514636 (VCV000514636.12), dbSNP rs780617193, ClinGen allele CA4516966.

ClinVar aggregate classification (germline): Benign/Likely benign. Review status: criteria provided, multiple submitters, no conflicts (2 of 4 stars). 5 submissions from 5 submitters: Benign (2); Likely benign (3). Last evaluated 2026-06-17.

Conditions:
Noonan syndrome 1 (NS1). Also called: PTPN11-Related Noonan Syndrome; FEMALE PSEUDO-TURNER SYNDROME; TURNER PHENOTYPE WITH NORMAL KARYOTYPE. Identifiers: Orphanet 648, MedGen C4551602, MONDO:0008104, OMIM 163950. Disease mechanism: gain of function.
Melanoma, cutaneous malignant, susceptibility to, 1 (CMM1). Also called: B-K MOLE SYNDROME; MELANOMA, MALIGNANT; DYSPLASTIC NEVUS SYNDROME, HEREDITARY; FAMILIAL ATYPICAL MOLE-MALIGNANT MELANOMA SYNDROME. Identifiers: Orphanet 618, MedGen C1835047, MONDO:0007963, OMIM 155600.
Cardiofaciocutaneous syndrome 1 (CFC1). Also called: BRAF-Related Cardiofaciocutaneous Syndrome. Identifiers: Orphanet 1340, MedGen CN029449, MONDO:0007265, OMIM 115150. Disease mechanism: gain of function.
Colorectal cancer. Also called: Malignant Colorectal Neoplasm; Colorectal cancer, somatic. Identifiers: MedGen C0346629, MONDO:0005575, OMIM 114500.
LEOPARD syndrome 3 (LPRD3). Identifiers: Orphanet 500, MedGen C3150971, MONDO:0013380, OMIM 613707.
Noonan syndrome 7 (NS7). Also called: BRAF-Related Noonan Syndrome. Identifiers: Orphanet 648, MedGen C3150970, MONDO:0013379, OMIM 613706.
Lung cancer. Also called: Lung cancer, somatic; Malignant tumor of lung. Identifiers: MedGen C0242379, MONDO:0008903, OMIM 211980.
RASopathy. Also called: Noonan spectrum disorder; rasopathies. Identifiers: Orphanet 536391, MedGen C5555857, MONDO:0021060.

Allele frequency attached by ClinVar (database versions not stated): gnomAD exomes 0.00002 and 0.00006; TOPMed 0.00003; gnomAD 0.00004 and 0.00006; ExAC 0.00007.
gnomAD v4.1: 46 of 1,613,558 alleles (0.0029%); highest among the groups gnomAD compares: Admixed American, 0.0033%; no homozygotes.

Submissions (5):

Women's Health and Genetics/Laboratory Corporation of America, LabCorp
Classification: Benign. Last evaluated: 2026-06-17. Review status: criteria provided, single submitter. Criteria: LabCorp Variant Classification Summary - May 2015. Collection method: clinical testing. Allele origin: germline.

Labcorp Genetics (formerly Invitae), Labcorp
Classification: Benign for RASopathy. Last evaluated: 2025-07-03. Review status: criteria provided, single submitter. Criteria: Invitae Variant Classification Sherloc (09022015). Collection method: clinical testing. Allele origin: germline.

Blueprint Genetics
Classification: Likely benign. Last evaluated: 2024-11-26. Review status: criteria provided, single submitter. Criteria: ACMG Guidelines, 2015. Collection method: clinical testing. Allele origin: germline.

Fulgent Genetics
Classification: Likely benign for Colorectal cancer; Cardiofaciocutaneous syndrome 1; Melanoma, cutaneous malignant, susceptibility to, 1; Noonan syndrome 1; Lung cancer; Noonan syndrome 7; LEOPARD syndrome 3. Last evaluated: 2022-05-09. Review status: criteria provided, single submitter. Criteria: ACMG Guidelines, 2015. Collection method: clinical testing. Allele origin: unknown.

GeneDx
Classification: Likely benign. Last evaluated: 2018-01-04. Review status: criteria provided, single submitter. Criteria: GeneDx Variant Classification (06012015). Collection method: clinical testing. Allele origin: germline. Affected: yes.
Comment: This variant is considered likely benign or benign based on one or more of the following criteria: it is a conservative change, it occurs at a poorly conserved position in the protein, it is predicted to be benign by multiple in silico algorithms, and/or has population frequency not consistent with disease.